The following is an entry in ClinVar:

ClinVar aggregate classification (germline): Pathogenic (0 of 4 stars; one submission).

Conditions:
Waardenburg syndrome type 1 (WS1). Also called: Waardenburg Syndrome Type I; WAARDENBURG SYNDROME WITH DYSTOPIA CANTHORUM. Identifiers: Orphanet 894, MedGen C1847800, MONDO:0008670, OMIM 193500.

Submission:

Hearing and Balance Clinic, First Affliiated Hospital of Kunming Medical University
Classification: Pathogenic for Waardenburg syndrome type 1. Last evaluated: 2019-12-26. Review status: no assertion criteria provided. Collection method: clinical testing. Allele origin: inherited. Inheritance: Autosomal dominant inheritance. Affected: yes. Observed: 1 heterozygote.

NM_181458.4(PAX3):c.1076_1077del (p.Thr359fs)

Genes: PAX3 (paired box 3; minus strand), LOC126806529 (CDK7 strongly-dependent group 2 enhancer GRCh37_chr2:223084735-223085934; plus strand). Cytogenetic location: 2q36.1.
Variant type: Deletion.
Coding change: c.1076_1077del on transcript NM_181458.4 (MANE Select); coding-DNA positions 1076 to 1077, 2 bases deleted (CC; older notation c.1076_1077delCC).
Protein change: p.Thr359fs; shifts the reading frame from threonine 359.
Molecular consequence: frameshift variant.
Genome position (GRCh38, 1-based): chr2:222,220,236-222,220,237, GG deleted on the plus strand (CC on the coding strand, the reverse complement: PAX3 is on the minus strand). VCF-style (leftmost placement, unchanged base first): chr2-222220235-TGG-T. GRCh37 (hg19) VCF-style: chr2-223084954-TGG-T.
Other names: c.1076_1077del, p.Thr359fs (NM_181457.4, NM_181459.4, NM_181460.4 and 1 more transcripts); c.1073_1074del, p.Thr358fs (NM_001127366.3); short protein forms T359fs, T358fs.
Identifiers: ClinVar variation 800731 (VCV000800731.2), dbSNP rs1574646155, ClinGen allele CA915941736.